The following is an entry in ClinVar:

ClinVar aggregate classification (germline): Uncertain significance (0 of 4 stars; one submission).

Conditions:
HTR2C-related disorder. Also called: HTR2C-related condition.

gnomAD v4.1: 2 of 1,210,867 alleles (0.00017%); highest among the groups gnomAD compares: Admixed American, 0.0043%; no homozygotes.

Submission:

PreventionGenetics, part of Exact Sciences
Classification: Uncertain significance for HTR2C-related condition. Last evaluated: 2024-03-28. Review status: no assertion criteria provided. Collection method: clinical testing. Allele origin: germline.
Comment: The HTR2C c.475C>T variant is predicted to result in the amino acid substitution p.Pro159Ser. To our knowledge, this variant has not been reported in the literature. This variant is reported in 0.0073% of alleles in individuals of Latino descent in gnomAD. At this time, the clinical significance of this variant is uncertain due to the absence of conclusive functional and genetic evidence.

NM_000868.4(HTR2C):c.475C>T (p.Pro159Ser)

Gene: HTR2C (5-hydroxytryptamine receptor 2C; plus strand). Cytogenetic location: Xq23.
Variant type: single nucleotide variant.
Coding change: c.475C>T on transcript NM_000868.4 (MANE Select); coding-DNA position 475, C replaced by T.
Protein change: p.Pro159Ser; replaces proline 159 with serine.
Molecular consequence: missense variant. On other transcripts: intron variant (1).
Genome position (GRCh38, 1-based): chrX:114,848,128, C>T. VCF-style: chrX-114848128-C-T. GRCh37 (hg19) VCF-style: chrX-114082691-C-T.
Other names: c.475C>T, p.Pro159Ser (NM_001256760.3); c.455+20C>T (NM_001256761.3); short protein forms P159S.
Identifiers: ClinVar variation 3358651 (VCV003358651.1).
Genomic context (GRCh38, chrX:114,848,128, plus strand): 5'-ACAGCGTCCATCATGCACCTCTGCGCTATATCGCTGGATCGGTATGTAGCAATACGTAAT[C>T]CTATTGAGCATAGCCGTTTCAATTCGCGGACTAAGGCCATCATGAAGATTGCTATTGTTT-3'
Protein context (NP_000859.2, residues 149-169): SLDRYVAIRN[Pro159Ser]IEHSRFNSRT